The following is an entry in ClinVar:

ClinVar aggregate classification (germline): Likely benign. Review status: criteria provided, single submitter (1 of 4 stars). 2 submissions from 2 submitters: Likely benign (1). 1 of the submissions does not count toward it. Last evaluated 2025-11-05.

Conditions:
STAG1-related disorder. Also called: STAG1-related disorders.

Allele frequency attached by ClinVar (database versions not stated): gnomAD exomes 0.00005; ExAC 0.00017; ESP Exome Variant Server 0.00031; gnomAD 0.00051; TOPMed 0.00052; 1000 Genomes Project 30x 0.00078; 1000 Genomes Project 0.00080.
gnomAD v4.1: 159 of 1,612,604 alleles (0.0099%); highest among the groups gnomAD compares: African/African-American, 0.19%; no homozygotes.

Submissions (2):

Labcorp Genetics (formerly Invitae), Labcorp
Classification: Likely benign. Last evaluated: 2025-11-05. Review status: criteria provided, single submitter. Criteria: Invitae Variant Classification Sherloc (09022015). Collection method: clinical testing. Allele origin: germline.

PreventionGenetics, part of Exact Sciences
Classification: Likely benign for STAG1-related condition. Last evaluated: 2019-06-21. Review status: no assertion criteria provided. Collection method: clinical testing. Allele origin: germline. Not counted in ClinVar's aggregate classification.
Comment: This variant is classified as likely benign based on ACMG/AMP sequence variant interpretation guidelines (Richards et al. 2015 PMID: 25741868, with internal and published modifications).

NM_005862.3(STAG1):c.828G>A (p.Glu276=)

Gene: STAG1 (STAG1 cohesin complex component; minus strand). Cytogenetic location: 3q22.3.
Variant type: single nucleotide variant.
Coding change: c.828G>A on transcript NM_005862.3 (MANE Select); coding-DNA position 828, G replaced by A.
Protein change: p.Glu276=; no amino-acid change (glutamic acid 276 retained).
Molecular consequence: synonymous variant.
Genome position (GRCh38, 1-based): chr3:136,502,628, C>T on the plus strand (G>A on the coding strand, the complement: STAG1 is on the minus strand). VCF-style: chr3-136502628-C-T. GRCh37 (hg19) VCF-style: chr3-136221470-C-T.
Other names: c.828G>A (NM_005862.2).
Identifiers: ClinVar variation 2197017 (VCV002197017.6), dbSNP rs139706322, ClinGen allele CA2633099.